The following is an entry in ClinVar:

NM_203446.3(SYNJ1):c.2090T>C (p.Val697Ala)

Gene: SYNJ1 (synaptojanin 1; minus strand). Cytogenetic location: 21q22.11.
Variant type: single nucleotide variant.
Coding change: c.2090T>C on transcript NM_203446.3 (MANE Select); coding-DNA position 2090, T replaced by C.
Protein change: p.Val697Ala; replaces valine 697 with alanine.
Molecular consequence: missense variant.
Genome position (GRCh38, 1-based): chr21:32,665,998, A>G on the plus strand (T>C on the coding strand, the complement: SYNJ1 is on the minus strand). VCF-style: chr21-32665998-A-G. GRCh37 (hg19) VCF-style: chr21-34038308-A-G.
Other names: c.2090T>C, p.Val697Ala (NM_001160302.2); c.2075T>C, p.Val692Ala (NM_001160306.2); c.2207T>C, p.Val736Ala (NM_003895.4); short protein forms V692A, V697A, V736A.
Identifiers: ClinVar variation 649325 (VCV000649325.8), dbSNP rs764946363, ClinGen allele CA10003746.

ClinVar aggregate classification (germline): Uncertain significance (1 of 4 stars; one submission).

Conditions:
Developmental and epileptic encephalopathy, 53. Also called: Epileptic encephalopathy, early infantile, 53. Identifiers: MedGen C4479313, MONDO:0033362, OMIM 617389.
Early-onset Parkinson disease 20. Also called: PARKINSON DISEASE 20, AUTOSOMAL RECESSIVE EARLY-ONSET. Identifiers: Orphanet 391411, MedGen C3809824, MONDO:0014233, OMIM 615530.

Allele frequency attached by ClinVar (database versions not stated): gnomAD exomes below 0.00001 and 0.00007; ExAC 0.00001; gnomAD 0.00001; TOPMed 0.00002.
gnomAD v4.1: 98 of 1,613,216 alleles (0.0061%); highest among the groups gnomAD compares: Non-Finnish European, 0.0082%; no homozygotes.

Submission:

Labcorp Genetics (formerly Invitae), Labcorp
Classification: Uncertain significance for Developmental and epileptic encephalopathy, 53; Early-onset Parkinson disease 20. Last evaluated: 2022-08-10. Review status: criteria provided, single submitter. Criteria: Invitae Variant Classification Sherloc (09022015). Collection method: clinical testing. Allele origin: germline.
Comment: This sequence change replaces valine, which is neutral and non-polar, with alanine, which is neutral and non-polar, at codon 736 of the SYNJ1 protein (p.Val736Ala). This variant is present in population databases (rs764946363, gnomAD 0.0009%). This variant has not been reported in the literature in individuals affected with SYNJ1-related conditions. ClinVar contains an entry for this variant (Variation ID: 649325). Algorithms developed to predict the effect of missense changes on protein structure and function are either unavailable or do not agree on the potential impact of this missense change (SIFT: "Deleterious"; PolyPhen-2: "Possibly Damaging"; Align-GVGD: "Class C0"). In summary, the available evidence is currently insufficient to determine the role of this variant in disease. Therefore, it has been classified as a Variant of Uncertain Significance.